The following is an entry in ClinVar:

NM_004531.5(MOCS2):c.*2900A>G

Gene: MOCS2 (molybdenum cofactor synthesis 2; minus strand). Cytogenetic location: 5q11.2.
Variant type: single nucleotide variant.
Coding change: c.*2900A>G on transcript NM_004531.5 (MANE Select); 2900 bases downstream of the stop codon, A replaced by G.
Molecular consequence: 3 prime UTR variant.
Genome position (GRCh38, 1-based): chr5:53,095,702, T>C on the plus strand (A>G on the coding strand, the complement: MOCS2 is on the minus strand). VCF-style: chr5-53095702-T-C. GRCh37 (hg19) VCF-style: chr5-52391532-T-C.
Other names: c.*3387A>G (NM_176806.4).
Identifiers: ClinVar variation 907140 (VCV000907140.5), dbSNP rs116368818, ClinGen allele CA118882651.

ClinVar aggregate classification (germline): Likely benign. Review status: criteria provided, multiple submitters, no conflicts (2 of 4 stars). 2 submissions from 2 submitters: Likely benign (2). Last evaluated 2018-01-13.

Conditions:
Sulfite oxidase deficiency due to molybdenum cofactor deficiency type B1 (MOCODB1). Also called: Molybdenum cofactor deficiency B; Molybdenum cofactor deficiency, complementation group B; MOLYBDENUM COFACTOR DEFICIENCY, TYPE B1; Sulfite oxidase deficiency due to molybdenum cofactor deficiency type B. Identifiers: Orphanet 308393, Orphanet 833, MedGen C6065887, MONDO:0009644, OMIM 252160.

Allele frequency attached by ClinVar (database versions not stated): 1000 Genomes Project 30x 0.00640; 1000 Genomes Project 0.00659; TOPMed 0.01500.

Submissions (2):

Illumina Laboratory Services, Illumina
Classification: Likely benign for Sulfite oxidase deficiency due to molybdenum cofactor deficiency type B1. Last evaluated: 2018-01-13. Review status: criteria provided, single submitter. Criteria: ICSL Variant Classification Criteria 13 December 2019. Collection method: clinical testing. Allele origin: germline.
Comment: This variant was observed in the ICSL laboratory as part of a predisposition screen in an ostensibly healthy population. It had not been previously curated by ICSL or reported in the Human Gene Mutation Database (HGMD: prior to June 1st, 2018), and was therefore a candidate for classification through an automated scoring system. Utilizing variant allele frequency, disease prevalence and penetrance estimates, and inheritance mode, an automated score was calculated to assess if this variant is too frequent to cause the disease. Based on the score and internal cut-off values, a variant classified as likely benign is not then subjected to further curation. The score for this variant resulted in a classification of likely benign for this disease.

Breakthrough Genomics
Classification: Likely benign. Review status: criteria provided, single submitter. Criteria: ACMG Guidelines, 2015. Collection method: not provided. Allele origin: germline. Inheritance: Autosomal recessive inheritance. Affected: yes.